The following is an entry in ClinVar:

ClinVar aggregate classification (germline): Likely pathogenic (1 of 4 stars; one submission).

Allele frequency attached by ClinVar (database versions not stated): gnomAD exomes below 0.00001; gnomAD 0.00001; TOPMed 0.00001.

Submission:

GeneDx
Classification: Likely pathogenic. Last evaluated: 2023-05-31. Review status: criteria provided, single submitter. Criteria: GeneDx Variant Classification Process June 2021. Collection method: clinical testing. Allele origin: germline. Affected: yes.
Comment: Nonsense variant predicted to result in protein truncation as the last 323 amino acids are lost, although loss-of-function variants have not been reported downstream of this position in the protein; Not observed at significant frequency in large population cohorts (gnomAD); Has not been previously published as pathogenic or benign to our knowledge

NM_032229.3(SLITRK6):c.1557G>A (p.Trp519Ter)

Gene: SLITRK6 (SLIT and NTRK like family member 6; minus strand). Cytogenetic location: 13q31.1.
Variant type: single nucleotide variant.
Coding change: c.1557G>A on transcript NM_032229.3 (MANE Select); coding-DNA position 1557, G replaced by A.
Protein change: p.Trp519Ter; replaces tryptophan 519 with a stop codon.
Molecular consequence: nonsense.
Genome position (GRCh38, 1-based): chr13:85,794,952, C>T on the plus strand (G>A on the coding strand, the complement: SLITRK6 is on the minus strand). VCF-style: chr13-85794952-C-T. GRCh37 (hg19) VCF-style: chr13-86369087-C-T.
Other names: short protein forms W519*.
Identifiers: ClinVar variation 2504173 (VCV002504173.1), dbSNP rs1300536359, ClinGen allele CA388375357.